The following is an entry in ClinVar:

ClinVar aggregate classification (germline): Likely benign. Review status: criteria provided, multiple submitters, no conflicts (2 of 4 stars). 3 submissions from 3 submitters: Likely benign (2). 1 of the submissions does not count toward it. Last evaluated 2026-02-02.

Conditions:
SLC16A1-related disorder. Also called: SLC16A1-related condition; SLC16A1-related disorders.

Submissions (3):

Labcorp Genetics (formerly Invitae), Labcorp
Classification: Likely benign. Last evaluated: 2026-02-02. Review status: criteria provided, single submitter. Criteria: Invitae Variant Classification Sherloc (09022015). Collection method: clinical testing. Allele origin: germline.

Women's Health and Genetics/Laboratory Corporation of America, LabCorp
Classification: Likely benign. Last evaluated: 2025-05-06. Review status: criteria provided, single submitter. Criteria: LabCorp Variant Classification Summary - May 2015. Collection method: clinical testing. Allele origin: germline.
Comment: Variant summary: SLC16A1 c.362-14_362-13insCTTT alters a conserved nucleotide located at a position not widely known to affect splicing. Consensus agreement among computation tools predict no significant impact on normal splicing. However, these predictions have yet to be confirmed by functional studies. The frequency data for this variant in gnomAD is considered unreliable, as metrics indicate poor data quality at this position. To our knowledge, no occurrence of c.362-14_362-13insCTTT in individuals affected with SLC16A1 Related Disorders and no experimental evidence demonstrating its impact on protein function have been reported. ClinVar contains an entry for this variant (Variation ID: 291869). Based on the evidence outlined above, the variant was classified as likely benign.

PreventionGenetics, part of Exact Sciences
Classification: Likely benign for SLC16A1-related condition. Last evaluated: 2021-10-12. Review status: no assertion criteria provided. Collection method: clinical testing. Allele origin: germline. Not counted in ClinVar's aggregate classification.
Comment: This variant is classified as likely benign based on ACMG/AMP sequence variant interpretation guidelines (Richards et al. 2015 PMID: 25741868, with internal and published modifications).

NM_003051.4(SLC16A1):c.362-14_362-13insTTTC

Gene: SLC16A1 (solute carrier family 16 member 1; minus strand). Cytogenetic location: 1p13.2.
Variant type: Insertion.
Coding change: c.362-14_362-13insTTTC on transcript NM_003051.4 (MANE Select); 14 bases into the intron before coding-DNA position 362 through 13 bases into the intron before coding-DNA position 362, TTTC inserted.
Molecular consequence: intron variant.
Genome position: GRCh38 VCF-style: chr1-112918057-T-TAAAG. GRCh37 (hg19) VCF-style: chr1-113460679-T-TAAAG.
Other names: c.362-14_362-13insTTTC (NM_001166496.2); c.362-14_362-13insCTTT (NM_003051.4).
Identifiers: ClinVar variation 291869 (VCV000291869.15), dbSNP rs773587590, ClinGen allele CA1011437.
Genomic context (GRCh38, chr1:112,918,057, plus strand): 5'-TGCCAATCATGGTCAGAGCTGGATTCAAGTTGAAGGCAAGCCCAAGACCTGTGAAGACAA[T>TAAAG]AAATAAATAAATAAATAAATAAATAAATAAATAAATAAATAAATAATAAGAGGTATAAAT-3'